The following is an entry in ClinVar:

NM_001308093.3(GATA4):c.1081G>C (p.Glu361Gln)

Gene: GATA4 (GATA binding protein 4). Cytogenetic location: 8p23.1.
Variant type: single nucleotide variant.
Coding change: c.1081G>C on transcript NM_001308093.3 (MANE Select); coding-DNA position 1081, G replaced by C.
Protein change: p.Glu361Gln; replaces glutamic acid 361 with glutamine.
Molecular consequence: missense variant.
Genome position (GRCh38, 1-based): chr8:11,757,015, G>C. VCF-style: chr8-11757015-G-C. GRCh37 (hg19) VCF-style: chr8-11614524-G-C.
Other names: c.460G>C, p.Glu154Gln (NM_001308094.2, NM_001374273.1); c.334G>C, p.Glu112Gln (NM_001374274.1); c.1078G>C, p.Glu360Gln (NM_002052.5); short protein forms E360Q, E154Q, E361Q, E112Q.
Identifiers: ClinVar variation 472769 (VCV000472769.16), dbSNP rs141808522, ClinGen allele CA4630818.
Genomic context (GRCh38, chr8:11,757,015, plus strand): 5'-CTTCCTCCCGCCAGCGGTGCTTCCAGCAACTCCAGCAACGCCACCACCAGCAGCAGCGAG[G>C]AGATGCGTCCCATCAAGACGGAGCCTGGCCTGTCATCTCACTACGGGCACAGCAGCTCCG-3'
Protein context (NP_001295022.1, residues 351-371): SSNATTSSSE[Glu361Gln]MRPIKTEPGL

ClinVar aggregate classification (germline): Conflicting classifications of pathogenicity. Review status: criteria provided, conflicting classifications (1 of 4 stars). 4 submissions from 4 submitters: Uncertain significance (3); Likely benign (1). Last evaluated 2026-01-27.

Conditions:
Inborn genetic diseases. Identifiers: MedGen C0950123, MeSH D030342.
Atrioventricular septal defect 4 (AVSD4). Identifiers: MedGen C3280781, MONDO:0013747, OMIM 614430.

Allele frequency attached by ClinVar (database versions not stated): ExAC 0.00007; ESP Exome Variant Server 0.00008; TOPMed 0.00014.
gnomAD v4.1: 280 of 1,614,138 alleles (0.017%); highest among the groups gnomAD compares: Non-Finnish European, 0.022%; no homozygotes.

Submissions (4):

Labcorp Genetics (formerly Invitae), Labcorp
Classification: Uncertain significance for Atrioventricular septal defect 4. Last evaluated: 2026-01-27. Review status: criteria provided, single submitter. Criteria: Invitae Variant Classification Sherloc (09022015). Collection method: clinical testing. Allele origin: germline.
Comment: This sequence change replaces glutamic acid, which is acidic and polar, with glutamine, which is neutral and polar, at codon 360 of the GATA4 protein (p.Glu360Gln). This variant is present in population databases (rs141808522, gnomAD 0.02%). This missense change has been observed in individual(s) with left ventricular hypertrabeculation (PMID: 28798025). ClinVar contains an entry for this variant (Variation ID: 472769). Invitae Evidence Modeling of protein sequence and biophysical properties (such as structural, functional, and spatial information, amino acid conservation, physicochemical variation, residue mobility, and thermodynamic stability) indicates that this missense variant is not expected to disrupt GATA4 protein function with a negative predictive value of 95%. In summary, the available evidence is currently insufficient to determine the role of this variant in disease. Therefore, it has been classified as a Variant of Uncertain Significance.

Blueprint Genetics
Classification: Likely benign. Last evaluated: 2024-11-22. Review status: criteria provided, single submitter. Criteria: ACMG Guidelines, 2015. Collection method: clinical testing. Allele origin: germline.

GeneDx
Classification: Uncertain significance. Last evaluated: 2022-07-21. Review status: criteria provided, single submitter. Criteria: GeneDx Variant Classification Process June 2021. Collection method: clinical testing. Allele origin: germline. Affected: yes.
Comment: Identified in a patient with left ventricular hypertrabeculation (LVHT) in the published literature (Miszalski-Jamka et al., 2017); In silico analysis supports that this missense variant does not alter protein structure/function; This variant is associated with the following publications: (PMID: 28798025, 35047139)

Ambry Genetics
Classification: Uncertain significance for Inborn genetic diseases. Last evaluated: 2016-09-26. Review status: criteria provided, single submitter. Criteria: Ambry exome assertion method (8-5-2015). Collection method: clinical testing. Allele origin: germline. Affected: yes. Observed: 1 variant allele.

Literature cited by the submitters: PubMed 28798025 (cited by Labcorp Genetics (formerly Invitae), Labcorp).